The following is an entry in ClinVar:

ClinVar aggregate classification (germline): Pathogenic. Review status: criteria provided, multiple submitters, no conflicts (2 of 4 stars). 4 submissions from 4 submitters: Pathogenic (4). Last evaluated 2026-02-22.

Conditions:
MTM1-related disorder. Also called: MTM1-related condition.
Severe X-linked myotubular myopathy (CNMX). Also called: X-linked centronuclear myopathy; Myotubular myopathy, X-linked; MYOTUBULAR MYOPATHY 1. Identifiers: Orphanet 596, MedGen C0410203, MONDO:0010683, OMIM 310400.

Submissions (4):

PreventionGenetics, part of Exact Sciences
Classification: Pathogenic for MTM1-related condition. Last evaluated: 2026-02-22. Review status: criteria provided, single submitter. Criteria: ACMG Guidelines, 2015. Collection method: clinical testing. Allele origin: germline.
Comment: The MTM1 c.969delA variant is predicted to result in premature protein termination (p.Val324*). To our knowledge, this variant has not been reported in the literature or in a large population database (gnomAD), indicating this variant is rare. Nonsense variants in MTM1 are expected to be pathogenic. This variant is interpreted as pathogenic.

Labcorp Genetics (formerly Invitae), Labcorp
Classification: Pathogenic for Severe X-linked myotubular myopathy. Last evaluated: 2023-09-03. Review status: criteria provided, single submitter. Criteria: Invitae Variant Classification Sherloc (09022015). Collection method: clinical testing. Allele origin: germline.
Comment: This sequence change creates a premature translational stop signal (p.Val324*) in the MTM1 gene. It is expected to result in an absent or disrupted protein product. Loss-of-function variants in MTM1 are known to be pathogenic (PMID: 9305655, 10063835). This variant is not present in population databases (gnomAD no frequency). This variant has not been reported in the literature in individuals affected with MTM1-related conditions. ClinVar contains an entry for this variant (Variation ID: 159012). For these reasons, this variant has been classified as Pathogenic.

CeGaT Center for Human Genetics Tuebingen
Classification: Pathogenic. Last evaluated: 2020-10-01. Review status: criteria provided, single submitter. Criteria: CeGaT Center For Human Genetics Tuebingen Variant Classification Criteria Version 2. Collection method: clinical testing. Allele origin: germline. Affected: yes. Observed: 1 variant allele.

Genetic Services Laboratory, University of Chicago
Classification: Pathogenic for Myotubular myopathy, X-linked. Last evaluated: 2013-02-08. Review status: criteria provided, single submitter. Criteria: ACMG Guidelines, 2007. Collection method: clinical testing. Allele origin: germline. Inheritance: X-linked inheritance. Affected: yes.

Literature cited by the submitters: PubMed 9305655 (cited by Labcorp Genetics (formerly Invitae), Labcorp); PubMed 10063835 (cited by Labcorp Genetics (formerly Invitae), Labcorp).

NM_000252.3(MTM1):c.969del (p.Lys323_Val324insTer)

Gene: MTM1 (myotubularin 1; plus strand). Cytogenetic location: Xq28.
Variant type: Deletion.
Coding change: c.969del on transcript NM_000252.3 (MANE Select); coding-DNA position 969, one base deleted (A; older notation c.969delA).
Protein change: p.Lys323_Val324insTer.
Molecular consequence: frameshift variant.
Genome position (GRCh38, 1-based): chrX:150,649,817, A deleted; the last of 7 consecutive A bases (chrX:150,649,811-150,649,817); deleting any one gives the same sequence. VCF-style (leftmost placement, unchanged base first): chrX-150649810-TA-T. GRCh37 (hg19) VCF-style: chrX-149818283-TA-T.
Other names: c.969del, p.Lys323_Val324insTer (NM_001376906.1, NM_001376908.1); c.858del, p.Lys286_Val287insTer (NM_001376907.1); c.969delA (NM_000252.2).
Identifiers: ClinVar variation 159012 (VCV000159012.52), dbSNP rs587783865, ClinGen allele CA271954.